The following is an entry in ClinVar:

NM_005458.8(GABBR2):c.1253G>A (p.Arg418Gln)

Gene: GABBR2 (gamma-aminobutyric acid type B receptor subunit 2; minus strand). Cytogenetic location: 9q22.33.
Variant type: single nucleotide variant.
Coding change: c.1253G>A on transcript NM_005458.8 (MANE Select); coding-DNA position 1253, G replaced by A.
Protein change: p.Arg418Gln; replaces arginine 418 with glutamine.
Molecular consequence: missense variant.
Genome position (GRCh38, 1-based): chr9:98,406,125, C>T on the plus strand (G>A on the coding strand, the complement: GABBR2 is on the minus strand). VCF-style: chr9-98406125-C-T. GRCh37 (hg19) VCF-style: chr9-101168407-C-T.
Other names: short protein forms R418Q.
Identifiers: ClinVar variation 3703527 (VCV003703527.2).

ClinVar aggregate classification (germline): Uncertain significance (1 of 4 stars; one submission).

Conditions:
Epileptic encephalopathy. Identifiers: MedGen C0543888, HP:0200134.

gnomAD v4.1: 8 of 1,580,268 alleles (0.00051%); highest among the groups gnomAD compares: African/African-American, 0.0014%; no homozygotes.

Submission:

Labcorp Genetics (formerly Invitae), Labcorp
Classification: Uncertain significance for Epileptic encephalopathy. Last evaluated: 2024-09-27. Review status: criteria provided, single submitter. Criteria: Invitae Variant Classification Sherloc (09022015). Collection method: clinical testing. Allele origin: germline.
Comment: This sequence change replaces arginine, which is basic and polar, with glutamine, which is neutral and polar, at codon 418 of the GABBR2 protein (p.Arg418Gln). This variant is present in population databases (rs771523927, gnomAD 0.01%). This variant has not been reported in the literature in individuals affected with GABBR2-related conditions. Invitae Evidence Modeling of protein sequence and biophysical properties (such as structural, functional, and spatial information, amino acid conservation, physicochemical variation, residue mobility, and thermodynamic stability) indicates that this missense variant is not expected to disrupt GABBR2 protein function with a negative predictive value of 80%. In summary, the available evidence is currently insufficient to determine the role of this variant in disease. Therefore, it has been classified as a Variant of Uncertain Significance.